The following is an entry in ClinVar:

ClinVar aggregate classification (germline): Uncertain significance (1 of 4 stars; one submission).

Allele frequency attached by ClinVar (database versions not stated): TOPMed below 0.00001.
gnomAD v4.1: 2 of 1,614,166 alleles (0.00012%); highest among the groups gnomAD compares: Non-Finnish European, 0.00017%; no homozygotes.

Submission:

Labcorp Genetics (formerly Invitae), Labcorp
Classification: Uncertain significance. Last evaluated: 2022-02-19. Review status: criteria provided, single submitter. Criteria: Invitae Variant Classification Sherloc (09022015). Collection method: clinical testing. Allele origin: germline.
Comment: In summary, the available evidence is currently insufficient to determine the role of this variant in disease. Therefore, it has been classified as a Variant of Uncertain Significance. Advanced modeling of protein sequence and biophysical properties (such as structural, functional, and spatial information, amino acid conservation, physicochemical variation, residue mobility, and thermodynamic stability) performed at Invitae indicates that this missense variant is not expected to disrupt CDHR1 protein function. This variant has not been reported in the literature in individuals affected with CDHR1-related conditions. This variant is not present in population databases (gnomAD no frequency). This sequence change replaces threonine, which is neutral and polar, with asparagine, which is neutral and polar, at codon 259 of the CDHR1 protein (p.Thr259Asn).

NM_033100.4(CDHR1):c.776C>A (p.Thr259Asn)

Gene: CDHR1 (cadherin related family member 1; plus strand). Cytogenetic location: 10q23.1.
Variant type: single nucleotide variant.
Coding change: c.776C>A on transcript NM_033100.4 (MANE Select); coding-DNA position 776, C replaced by A.
Protein change: p.Thr259Asn; replaces threonine 259 with asparagine.
Molecular consequence: missense variant.
Genome position (GRCh38, 1-based): chr10:84,203,116, C>A. VCF-style: chr10-84203116-C-A. GRCh37 (hg19) VCF-style: chr10-85962872-C-A.
Other names: c.776C>A, p.Thr259Asn (NM_001171971.3); short protein forms T259N.
Identifiers: ClinVar variation 1952675 (VCV001952675.5), dbSNP rs747762103, ClinGen allele CA210380829.